The following is an entry in ClinVar:

ClinVar aggregate classification (germline): Uncertain significance (1 of 4 stars; one submission).

Conditions:
Cardiovascular phenotype. Identifiers: MedGen CN230736.

gnomAD v4.1: 3 of 1,613,784 alleles (0.00019%); highest among the groups gnomAD compares: South Asian, 0.0033%; no homozygotes.

Submission:

Ambry Genetics
Classification: Uncertain significance for Cardiovascular phenotype. Last evaluated: 2024-12-21. Review status: criteria provided, single submitter. Criteria: Ambry Variant Classification Scheme 2023. Collection method: clinical testing. Allele origin: germline.
Comment: The p.F2412L variant (also known as c.7234T>C), located in coding exon 26 of the APOB gene, results from a T to C substitution at nucleotide position 7234. The phenylalanine at codon 2412 is replaced by leucine, an amino acid with highly similar properties. This amino acid position is conserved. In addition, this alteration is predicted to be tolerated by in silico analysis. Based on the available evidence, the clinical significance of this variant remains unclear.

NM_000384.3(APOB):c.7234T>C (p.Phe2412Leu)

Gene: APOB (apolipoprotein B; minus strand). Cytogenetic location: 2p24.1.
Variant type: single nucleotide variant.
Coding change: c.7234T>C on transcript NM_000384.3 (MANE Select); coding-DNA position 7234, T replaced by C.
Protein change: p.Phe2412Leu; replaces phenylalanine 2412 with leucine.
Molecular consequence: missense variant.
Genome position (GRCh38, 1-based): chr2:21,009,634, A>G on the plus strand (T>C on the coding strand, the complement: APOB is on the minus strand). VCF-style: chr2-21009634-A-G. GRCh37 (hg19) VCF-style: chr2-21232506-A-G.
Other names: short protein forms F2412L.
Identifiers: ClinVar variation 3885017 (VCV003885017.1).